The following is an entry in ClinVar:

NM_015662.3(IFT172):c.5069-2A>G

Genes: KRTCAP3 (keratinocyte associated protein 3; plus strand), IFT172 (intraflagellar transport 172; minus strand). Cytogenetic location: 2p23.3.
Variant type: single nucleotide variant.
Coding change: c.5069-2A>G on transcript NM_015662.3 (MANE Select); the canonical splice acceptor site of the intron before coding-DNA position 5069, A replaced by G.
Molecular consequence: splice acceptor variant. On other transcripts: intron variant (1).
Genome position (GRCh38, 1-based): chr2:27,445,107, T>C on the plus strand (A>G on the coding strand, the complement: IFT172 is on the minus strand). VCF-style: chr2-27445107-T-C. GRCh37 (hg19) VCF-style: chr2-27667974-T-C.
Other names: c.*5+1046T>C (NM_001168364.2); c.5003-2A>G (NM_001410739.1).
Identifiers: ClinVar variation 1067864 (VCV001067864.3), dbSNP rs2148464837, ClinGen allele CA346413161.

ClinVar aggregate classification (germline): Likely pathogenic (1 of 4 stars; one submission).

Conditions:
Short-rib thoracic dysplasia 10 with or without polydactyly (SRTD10). Identifiers: Orphanet 474, MedGen C3810175, MONDO:0014284, OMIM 615630.
Retinitis pigmentosa 71 (RP71). Identifiers: Orphanet 791, MedGen C4225342, MONDO:0014618, OMIM 616394.

gnomAD v4.1: 1 of 1,613,900 alleles (0.000062%); highest among the groups gnomAD compares: Non-Finnish European, 0.000085%; no homozygotes.

Submission:

Labcorp Genetics (formerly Invitae), Labcorp
Classification: Likely pathogenic for Retinitis pigmentosa 71; Short-rib thoracic dysplasia 10 with or without polydactyly. Last evaluated: 2020-06-13. Review status: criteria provided, single submitter. Criteria: Invitae Variant Classification Sherloc (09022015). Collection method: clinical testing. Allele origin: germline.
Comment: This sequence change affects an acceptor splice site in intron 46 of the IFT172 gene. It is expected to disrupt RNA splicing and likely results in an absent or disrupted protein product. This variant is not present in population databases (ExAC no frequency). This variant has not been reported in the literature in individuals with IFT172-related conditions. Algorithms developed to predict the effect of sequence changes on RNA splicing suggest that this variant may disrupt the consensus splice site, but this prediction has not been confirmed by published transcriptional studies. Donor and acceptor splice site variants typically lead to a loss of protein function (PMID: 16199547), and loss-of-function variants in IFT172 are known to be pathogenic (PMID: 24140113). In summary, the currently available evidence indicates that the variant is pathogenic, but additional data are needed to prove that conclusively. Therefore, this variant has been classified as Likely Pathogenic.

Literature cited by the submitters: PubMed 16199547; PubMed 24140113.